The following is an entry in ClinVar:

ClinVar aggregate classification (germline): Uncertain significance (1 of 4 stars; one submission).

gnomAD v4.1: 11 of 1,613,020 alleles (0.00068%); highest among the groups gnomAD compares: Non-Finnish European, 0.00093%; no homozygotes.

Submission:

Labcorp Genetics (formerly Invitae), Labcorp
Classification: Uncertain significance. Last evaluated: 2024-07-03. Review status: criteria provided, single submitter. Criteria: Invitae Variant Classification Sherloc (09022015). Collection method: clinical testing. Allele origin: germline.
Comment: This sequence change replaces methionine, which is neutral and non-polar, with isoleucine, which is neutral and non-polar, at codon 576 of the NYNRIN protein (p.Met576Ile). This variant is not present in population databases (gnomAD no frequency). This variant has not been reported in the literature in individuals affected with NYNRIN-related conditions. Experimental studies and prediction algorithms are not available or were not evaluated, and the functional significance of this variant is currently unknown. In summary, the available evidence is currently insufficient to determine the role of this variant in disease. Therefore, it has been classified as a Variant of Uncertain Significance.

NM_025081.3(NYNRIN):c.1728G>A (p.Met576Ile)

Gene: NYNRIN (NYN domain and retroviral integrase containing; plus strand). Cytogenetic location: 14q12.
Variant type: single nucleotide variant.
Coding change: c.1728G>A on transcript NM_025081.3 (MANE Select); coding-DNA position 1728, G replaced by A.
Protein change: p.Met576Ile; replaces methionine 576 with isoleucine.
Molecular consequence: missense variant.
Genome position (GRCh38, 1-based): chr14:24,409,522, G>A. VCF-style: chr14-24409522-G-A. GRCh37 (hg19) VCF-style: chr14-24878728-G-A.
Other names: short protein forms M576I.
Identifiers: ClinVar variation 3638284 (VCV003638284.2).